The following is an entry in ClinVar:

NM_020381.4(PDSS2):c.1096C>T (p.Arg366Cys)

Gene: PDSS2 (decaprenyl diphosphate synthase subunit 2; minus strand). Cytogenetic location: 6q21.
Variant type: single nucleotide variant.
Coding change: c.1096C>T on transcript NM_020381.4 (MANE Select); coding-DNA position 1096, C replaced by T.
Protein change: p.Arg366Cys; replaces arginine 366 with cysteine.
Molecular consequence: missense variant.
Genome position (GRCh38, 1-based): chr6:107,154,723, G>A on the plus strand (C>T on the coding strand, the complement: PDSS2 is on the minus strand). VCF-style: chr6-107154723-G-A. GRCh37 (hg19) VCF-style: chr6-107475927-G-A.
Other names: c.1096C>T (NM_020381.3); short protein forms R366C.
Identifiers: ClinVar variation 1498538 (VCV001498538.5), dbSNP rs370257390, ClinGen allele CA3945906.

ClinVar aggregate classification (germline): Uncertain significance. Review status: criteria provided, multiple submitters, no conflicts (2 of 4 stars). 3 submissions from 3 submitters: Uncertain significance (3). Last evaluated 2022-09-14.

Conditions:
Inborn genetic diseases. Identifiers: MedGen C0950123, MeSH D030342.
Coenzyme Q10 deficiency, primary, 3 (COQ10D3). Identifiers: Orphanet 255249, MedGen C3553358, MONDO:0013838, OMIM 614652.

Allele frequency attached by ClinVar (database versions not stated): ExAC 0.00003; gnomAD exomes 0.00003 and 0.00011; gnomAD 0.00006 and 0.00007; ESP Exome Variant Server 0.00008; TOPMed 0.00008.
gnomAD v4.1: 176 of 1,613,962 alleles (0.011%); highest among the groups gnomAD compares: Non-Finnish European, 0.014%; no homozygotes.

Submissions (3):

Ambry Genetics
Classification: Uncertain significance for Inborn genetic diseases. Last evaluated: 2022-09-14. Review status: criteria provided, single submitter. Criteria: Ambry Variant Classification Scheme 2023. Collection method: clinical testing. Allele origin: germline.

Labcorp Genetics (formerly Invitae), Labcorp
Classification: Uncertain significance. Last evaluated: 2022-07-26. Review status: criteria provided, single submitter. Criteria: Invitae Variant Classification Sherloc (09022015). Collection method: clinical testing. Allele origin: germline.
Comment: This sequence change replaces arginine, which is basic and polar, with cysteine, which is neutral and slightly polar, at codon 366 of the PDSS2 protein (p.Arg366Cys). This variant is present in population databases (rs370257390, gnomAD 0.009%). This variant has not been reported in the literature in individuals affected with PDSS2-related conditions. ClinVar contains an entry for this variant (Variation ID: 1498538). Algorithms developed to predict the effect of missense changes on protein structure and function (SIFT, PolyPhen-2, Align-GVGD) all suggest that this variant is likely to be tolerated. In summary, the available evidence is currently insufficient to determine the role of this variant in disease. Therefore, it has been classified as a Variant of Uncertain Significance.

Fulgent Genetics
Classification: Uncertain significance for Coenzyme Q10 deficiency, primary, 3. Last evaluated: 2021-08-10. Review status: criteria provided, single submitter. Criteria: ACMG Guidelines, 2015. Collection method: clinical testing. Allele origin: unknown.